The following is an entry in ClinVar:

ClinVar aggregate classification (germline): Pathogenic/Likely pathogenic. Review status: criteria provided, multiple submitters, no conflicts (2 of 4 stars). 6 submissions from 6 submitters: Pathogenic (2); Likely pathogenic (3). 1 of the submissions does not count toward it. Last evaluated 2025-10-28.

Conditions:
Inborn genetic diseases. Identifiers: MedGen C0950123, MeSH D030342.
Intellectual disability, X-linked 49 (MRXSRC). Also called: CLCN4-related X-linked intellectual disability syndrome; RAYNAUD-CLAES SYNDROME; CLCN4-Related Neurodevelopmental Disorder; MRX49; MENTAL RETARDATION, X-LINKED 15. Identifiers: Orphanet 485350, Orphanet 777, MedGen C0796221, MONDO:0010250, OMIM 300114.
Intellectual disability. Also called: Intellectual developmental disorder; Intellectual functioning disability; intellectual disabilities. Identifiers: MedGen C3714756, MeSH D008607, MONDO:0001071, HP:0001249.

Submissions (6):

GeneDx
Classification: Pathogenic. Last evaluated: 2025-10-28. Review status: criteria provided, single submitter. Criteria: GeneDx Variant Classification Process June 2021. Collection method: clinical testing. Allele origin: germline. Affected: yes.
Comment: Published functional studies suggest a damaging effect on channel function (PMID: 36385166); Not observed at significant frequency in large population cohorts (gnomAD); In silico analysis suggests that this missense variant does not alter protein structure/function; This variant is associated with the following publications: (PMID: 33057194, 35982159, 33504798, 19377476, 31785789, 36385166)

Victorian Clinical Genetics Services, Murdoch Childrens Research Institute
Classification: Pathogenic for Intellectual disability, X-linked 49. Last evaluated: 2024-09-20. Review status: criteria provided, single submitter. Criteria: ACMG Guidelines, 2015. Collection method: clinical testing. Allele origin: germline. Inheritance: X-linked dominant inheritance. Affected: yes.
Comment: Based on the classification scheme VCGS_Germline_v1.3.4, this variant is classified as Pathogenic. Following criteria are met: 0102 - Loss of function is a known mechanism of disease in this gene and is associated with Raynaud-Claes syndrome (MIM#300114). However, toxic gain of function has also been observed (PMID: 36385166). (I) 0110 - This gene is associated with X-linked dominant disease. However, heterozygous females may be either affected (with mild to severe intellectual disability) or unaffected (PMID: 27550844). (I) 0200 - Variant is predicted to result in a missense amino acid change from valine to isoleucine. (I) 0253 - This variant is hemizygous. (I) 0301 - Variant is absent from gnomAD (both v2 and v3). (SP) 0502 - Missense variant with conflicting in silico predictions and uninformative conservation. (I) 0603 - Missense variant in a region that is highly intolerant to missense variation (high constraint region in DECIPHER). (SP) 0704 - Another missense variant comparable to the one identified in this case has limited previous evidence for pathogenicity. This alternative change, p.(Val317Phe), has been reported as a VUS, and more recently, has been reported in the literature in an individual with a neurodevelopmental condition (PMID: 36385166). (SP) 0801 - This variant has strong previous evidence of pathogenicity in unrelated individuals. This variant has been reported once as a VUS, however, it is more commonly as likely pathogenic and pathogenic (ClinVar). It has been reported in multiple individuals with intellectual disability and/or a developmental disorder, where at least two of these individuals had agenesis of the corpus callosum. The variant was reported as both inherited and de novo (PMID: 19377476, PMID: 31785789, PMID: 33504798, PMID: 30919572, PMID: 36385166). (I) Legend: (SP) - Supporting pathogenic, (I) - Information, (SB) - Supporting benign

Ambry Genetics
Classification: Likely pathogenic for Inborn genetic diseases. Last evaluated: 2023-03-28. Review status: criteria provided, single submitter. Criteria: Ambry Variant Classification Scheme 2023. Collection method: clinical testing. Allele origin: germline.
Comment: The c.949G>A (p.V317I) alteration is located in exon 9 (coding exon 7) of the CLCN4 gene. This alteration results from a G to A substitution at nucleotide position 949, causing the valine (V) at amino acid position 317 to be replaced by an isoleucine (I). This variant was not reported in population-based cohorts in the Genome Aggregation Database (gnomAD). This variant has been reported as de novo in multiple individuals with neurodevelopmental disorders and/or features consistent with Raynaud-Claes syndrome (Turner, 2019; Martin, 2021; Palmer, 2023). This amino acid position is highly conserved in available vertebrate species. This missense alteration is located in a region that has a low rate of benign missense variation (Lek, 2016; Firth, 2009). The in silico prediction for this alteration is inconclusive. Based on the available evidence, this alteration is classified as likely pathogenic.

Gene2Care/ Palmer Lab, University of New South Wales
Classification: Likely pathogenic for Intellectual disability, X-linked 49. Last evaluated: 2022-05-27. Review status: criteria provided, single submitter. Criteria: ACMG Guidelines, 2015. Collection method: clinical testing. Allele origin: germline. Affected: yes.

Suma Genomics
Classification: Likely pathogenic for Intellectual disability, X-linked 49. Review status: criteria provided, single submitter. Criteria: ACMG Guidelines, 2015. Collection method: clinical testing. Allele origin: maternal. Inheritance: X-linked inheritance. Affected: yes. Observed: 1 hemizygote.

Diagnostic Laboratory, Strasbourg University Hospital
Classification: Uncertain significance for Intellectual disability. Last evaluated: 2020-09-10. Review status: flagged submission. Criteria: ACMG Guidelines, 2015. Collection method: clinical testing. Allele origin: de novo. Affected: yes. Observed: 1 hemizygote. Not counted in ClinVar's aggregate classification.
ClinVar note: Reason: Outlier claim with insufficient supporting evidence

Literature cited by the submitters: PubMed 19377476 (cited by Victorian Clinical Genetics Services, Murdoch Childrens Research Institute); PubMed 27550844 (cited by Victorian Clinical Genetics Services, Murdoch Childrens Research Institute); PubMed 30919572 (cited by Victorian Clinical Genetics Services, Murdoch Childrens Research Institute); PubMed 31785789 (cited by Victorian Clinical Genetics Services, Murdoch Childrens Research Institute and Ambry Genetics); PubMed 33504798 (cited by Victorian Clinical Genetics Services, Murdoch Childrens Research Institute and Ambry Genetics); PubMed 36385166 (cited by Victorian Clinical Genetics Services, Murdoch Childrens Research Institute and Ambry Genetics).

NM_001830.4(CLCN4):c.949G>A (p.Val317Ile)

Gene: CLCN4 (Cl-/H+ antiporter 4; plus strand). Cytogenetic location: Xp22.2.
Variant type: single nucleotide variant.
Coding change: c.949G>A on transcript NM_001830.4 (MANE Select); coding-DNA position 949, G replaced by A.
Protein change: p.Val317Ile; replaces valine 317 with isoleucine.
Molecular consequence: missense variant.
Genome position (GRCh38, 1-based): chrX:10,208,150, G>A. VCF-style: chrX-10208150-G-A. GRCh37 (hg19) VCF-style: chrX-10176190-G-A.
Other names: c.667G>A, p.Val223Ile (NM_001256944.2); short protein forms V317I, V223I.
Identifiers: ClinVar variation 422822 (VCV000422822.39), dbSNP rs1064796023, ClinGen allele CA16621165.